The following is an entry in ClinVar:

NM_170784.3(MKKS):c.947T>C (p.Ile316Thr)

Gene: MKKS (MKKS centrosomal shuttling protein; minus strand). Cytogenetic location: 20p12.2.
Variant type: single nucleotide variant.
Coding change: c.947T>C on transcript NM_170784.3 (MANE Select); coding-DNA position 947, T replaced by C.
Protein change: p.Ile316Thr; replaces isoleucine 316 with threonine.
Molecular consequence: missense variant.
Genome position (GRCh38, 1-based): chr20:10,412,568, A>G on the plus strand (T>C on the coding strand, the complement: MKKS is on the minus strand). VCF-style: chr20-10412568-A-G. GRCh37 (hg19) VCF-style: chr20-10393216-A-G.
Other names: c.947T>C, p.Ile316Thr (NM_018848.3); short protein forms I316T.
Identifiers: ClinVar variation 866180 (VCV000866180.13), dbSNP rs370219365, ClinGen allele CA311323370.
Genomic context (GRCh38, chr20:10,412,568, plus strand): 5'-AAAAGCAAAGAGTGATTTTTACCTGTCATTTTAGTCAGGGGTTCCATCAGAGTCACTCCA[A>G]TTCTGTCTATGGCAATAATACGATGCATATTGAGAAACTGCTTCAAAGATGGATGTATAA-3'
Protein context (NP_740754.1, residues 306-326): NMHRIIAIDR[Ile316Thr]GVTLMEPLTK

ClinVar aggregate classification (germline): Uncertain significance. Review status: criteria provided, multiple submitters, no conflicts (2 of 4 stars). 3 submissions from 3 submitters: Uncertain significance (3). Last evaluated 2024-02-20.

Conditions:
Bardet-Biedl syndrome (BBS). Identifiers: Orphanet 110, MedGen C0752166, MONDO:0015229.
McKusick-Kaufman syndrome (MKKS). Also called: HYDROMETROCOLPOS SYNDROME; HYDROMETROCOLPOS, POSTAXIAL POLYDACTYLY, AND CONGENITAL HEART MALFORMATION. Identifiers: Orphanet 2473, MedGen C0948368, MONDO:0009367, OMIM 236700.
Bardet-Biedl syndrome 6 (BBS6). Identifiers: Orphanet 110, MedGen C1858054, MONDO:0011523, OMIM 605231.

Allele frequency attached by ClinVar (database versions not stated): gnomAD exomes below 0.00001; gnomAD 0.00001; TOPMed 0.00002.
gnomAD v4.1: 6 of 1,613,998 alleles (0.00037%); highest among the groups gnomAD compares: South Asian, 0.0011%; no homozygotes.

Submissions (3):

Fulgent Genetics
Classification: Uncertain significance for McKusick-Kaufman syndrome; Bardet-Biedl syndrome 6. Last evaluated: 2024-02-20. Review status: criteria provided, single submitter. Criteria: ACMG Guidelines, 2015. Collection method: clinical testing. Allele origin: germline.

Labcorp Genetics (formerly Invitae), Labcorp
Classification: Uncertain significance for McKusick-Kaufman syndrome; Bardet-Biedl syndrome. Last evaluated: 2022-08-24. Review status: criteria provided, single submitter. Criteria: Invitae Variant Classification Sherloc (09022015). Collection method: clinical testing. Allele origin: germline.
Comment: In summary, the available evidence is currently insufficient to determine the role of this variant in disease. Therefore, it has been classified as a Variant of Uncertain Significance. Algorithms developed to predict the effect of missense changes on protein structure and function (SIFT, PolyPhen-2, Align-GVGD) all suggest that this variant is likely to be tolerated. ClinVar contains an entry for this variant (Variation ID: 866180). This variant has not been reported in the literature in individuals affected with MKKS-related conditions. This variant is present in population databases (rs370219365, gnomAD 0.002%). This sequence change replaces isoleucine, which is neutral and non-polar, with threonine, which is neutral and polar, at codon 316 of the MKKS protein (p.Ile316Thr).

Blueprint Genetics
Classification: Uncertain significance. Last evaluated: 2018-09-04. Review status: criteria provided, single submitter. Criteria: ACMG Guidelines, 2015. Collection method: clinical testing. Allele origin: germline.